The following is an entry in ClinVar:

NM_001386795.1(DTNA):c.2181T>A (p.Asp727Glu)

Gene: DTNA (dystrobrevin alpha; plus strand). Cytogenetic location: 18q12.1.
Variant type: single nucleotide variant.
Coding change: c.2181T>A on transcript NM_001386795.1 (MANE Select); coding-DNA position 2181, T replaced by A.
Protein change: p.Asp727Glu; replaces aspartic acid 727 with glutamic acid.
Molecular consequence: missense variant.
Genome position (GRCh38, 1-based): chr18:34,882,087, T>A. VCF-style: chr18-34882087-T-A. GRCh37 (hg19) VCF-style: chr18-32462051-T-A.
Other names: c.1920T>A, p.Asp640Glu (NM_001198938.2, NM_001198940.2, NM_001386753.1 and 5 more transcripts); c.1941T>A, p.Asp647Glu (NM_001198939.2); c.1227T>A, p.Asp409Glu (NM_001198942.1); c.1170T>A, p.Asp390Glu (NM_001198943.1); c.1056T>A, p.Asp352Glu (NM_001198944.1); c.2010T>A, p.Asp670Glu (NM_001386754.1, NM_001386755.1, NM_001386756.1 and 3 more transcripts); c.2007T>A, p.Asp669Glu (NM_001386760.1); c.1929T>A, p.Asp643Glu (NM_001386761.1, NM_032975.4); and 5 more; short protein forms D352E, D390E, D409E, D640E, D643E, D669E, D700E, D642E.
Identifiers: ClinVar variation 1354882 (VCV001354882.6), dbSNP rs564742185, ClinGen allele CA8935963.

ClinVar aggregate classification (germline): Uncertain significance (1 of 4 stars; one submission).

Conditions:
Left ventricular noncompaction 1 (LVNC1). Also called: LEFT VENTRICULAR NONCOMPACTION 1 WITH OR WITHOUT CONGENITAL HEART DEFECTS. Identifiers: Orphanet 54260, MedGen C1858725, MONDO:0011403, OMIM 604169.

Allele frequency attached by ClinVar (database versions not stated): gnomAD exomes below 0.00001 and 0.00002; gnomAD 0.00001; TOPMed 0.00001; ExAC 0.00002; 1000 Genomes Project 30x 0.00016; 1000 Genomes Project 0.00020.
gnomAD v4.1: 8 of 1,614,082 alleles (0.0005%); highest among the groups gnomAD compares: Admixed American, 0.012%; no homozygotes.

Submission:

Labcorp Genetics (formerly Invitae), Labcorp
Classification: Uncertain significance for Left ventricular noncompaction 1. Last evaluated: 2025-09-11. Review status: criteria provided, single submitter. Criteria: Invitae Variant Classification Sherloc (09022015). Collection method: clinical testing. Allele origin: germline.
Comment: This sequence change replaces aspartic acid, which is acidic and polar, with glutamic acid, which is acidic and polar, at codon 700 of the DTNA protein (p.Asp700Glu). This variant is present in population databases (rs564742185, gnomAD 0.009%). This variant has not been reported in the literature in individuals affected with DTNA-related conditions. ClinVar contains an entry for this variant (Variation ID: 1354882). An algorithm developed to predict the effect of missense changes on protein structure and function outputs the following: PolyPhen-2: "Benign". The glutamic acid amino acid residue is found in multiple mammalian species, which suggests that this missense change does not adversely affect protein function. In summary, the available evidence is currently insufficient to determine the role of this variant in disease. Therefore, it has been classified as a Variant of Uncertain Significance.